The following is an entry in ClinVar:

ClinVar aggregate classification (germline): Uncertain significance (1 of 4 stars; one submission).

Conditions:
Long QT syndrome (LQTS). Identifiers: MedGen C0023976, MeSH D008133, MONDO:0002442. Disease mechanism: loss of function. Inheritance: Various modes of inheritance.

Submission:

Labcorp Genetics (formerly Invitae), Labcorp
Classification: Uncertain significance for Long QT syndrome. Last evaluated: 2024-04-29. Review status: criteria provided, single submitter. Criteria: Invitae Variant Classification Sherloc (09022015). Collection method: clinical testing. Allele origin: germline.
Comment: This sequence change replaces alanine, which is neutral and non-polar, with glycine, which is neutral and non-polar, at codon 570 of the KCNH2 protein (p.Ala570Gly). This variant is not present in population databases (gnomAD no frequency). This variant has not been reported in the literature in individuals affected with KCNH2-related conditions. An algorithm developed to predict the effect of missense changes on protein structure and function (PolyPhen-2) suggests that this variant is likely to be disruptive. In summary, the available evidence is currently insufficient to determine the role of this variant in disease. Therefore, it has been classified as a Variant of Uncertain Significance.

NM_000238.4(KCNH2):c.1709C>G (p.Ala570Gly)

Gene: KCNH2 (potassium voltage-gated channel subfamily H member 2; minus strand). Cytogenetic location: 7q36.1.
Variant type: single nucleotide variant.
Coding change: c.1709C>G on transcript NM_000238.4 (MANE Select); coding-DNA position 1709, C replaced by G.
Protein change: p.Ala570Gly; replaces alanine 570 with glycine.
Molecular consequence: missense variant. On other transcripts: non-coding transcript variant (2).
Genome position (GRCh38, 1-based): chr7:150,951,684, G>C on the plus strand (C>G on the coding strand, the complement: KCNH2 is on the minus strand). VCF-style: chr7-150951684-G-C. GRCh37 (hg19) VCF-style: chr7-150648772-G-C.
Other names: c.689C>G, p.Ala230Gly (NM_001204798.2, NM_172057.3); c.1421C>G, p.Ala474Gly (NM_001406753.1, NM_001406756.1); c.1532C>G, p.Ala511Gly (NM_001406755.1); c.1409C>G, p.Ala470Gly (NM_001406757.1); c.1709C>G, p.Ala570Gly (NM_172056.3); short protein forms A230G, A474G, A511G, A570G, A470G.
Identifiers: ClinVar variation 3651456 (VCV003651456.2).